The following is an entry in ClinVar:

ClinVar aggregate classification (germline): Likely benign (0 of 4 stars; one submission).

Conditions:
CLASP2-related disorder. Also called: CLASP2-related condition.

Submission:

PreventionGenetics, part of Exact Sciences
Classification: Likely benign for CLASP2-related condition. Last evaluated: 2019-10-28. Review status: no assertion criteria provided. Collection method: clinical testing. Allele origin: germline.
Comment: This variant is classified as likely benign based on ACMG/AMP sequence variant interpretation guidelines (Richards et al. 2015 PMID: 25741868, with internal and published modifications).

NM_001365631.1(CLASP2):c.1527-6dup

Gene: CLASP2 (cytoplasmic linker associated protein 2; minus strand). Cytogenetic location: 3p22.3.
Variant type: Duplication.
Coding change: c.1527-6dup on transcript NM_001365631.1 (MANE Select); 6 bases into the intron before coding-DNA position 1527, one base duplicated (T; older notation c.1527-6dupT).
Molecular consequence: intron variant.
Genome position (GRCh38, 1-based): chr3:33,606,764, A duplicated on the plus strand (T on the coding strand, the reverse complement: CLASP2 is on the minus strand); the first of 9 consecutive A bases (chr3:33,606,764-33,606,772); duplicating any one gives the same sequence. VCF-style (leftmost placement, unchanged base first): chr3-33606763-T-TA. GRCh37 (hg19) VCF-style: chr3-33648255-T-TA.
Other names: c.1230-6dup (NM_001375713.1); c.1527-6dup (NM_001400406.1, NM_001375705.1, NM_001365634.1 and 7 more transcripts); c.1530-6dup (NM_001375703.1, NM_001365633.1, NM_001400405.1 and 3 more transcripts); c.828-6dup (NM_001400417.1, NM_001400437.1, NM_001400433.1 and 13 more transcripts); c.831-6dup (NM_001400436.1, NM_001400434.1, NM_001400431.1 and 2 more transcripts); c.846-6dup (NM_001375718.1, NM_001400430.1, NM_001400419.1 and 5 more transcripts); c.849-6dup (NM_001375716.1, NM_001400429.1, NM_001400418.1 and 3 more transcripts); c.1530-6dupT (NM_001365628.1).
Identifiers: ClinVar variation 3040674 (VCV003040674.2), dbSNP rs749184074, ClinGen allele CA2302896.